The following is an entry in ClinVar:

NM_017849.4(TMEM127):c.4T>C (p.Tyr2His)

Genes: TMEM127 (transmembrane protein 127; minus strand), LOC129934333 (ATAC-STARR-seq lymphoblastoid silent region 11759; plus strand). Cytogenetic location: 2q11.2.
Variant type: single nucleotide variant.
Coding change: c.4T>C on transcript NM_017849.4 (MANE Select); coding-DNA position 4, T replaced by C.
Protein change: p.Tyr2His; replaces tyrosine 2 with histidine.
Molecular consequence: missense variant.
Genome position (GRCh38, 1-based): chr2:96,265,378, A>G on the plus strand (T>C on the coding strand, the complement: TMEM127 is on the minus strand). VCF-style: chr2-96265378-A-G. GRCh37 (hg19) VCF-style: chr2-96931116-A-G.
Other names: c.4T>C, p.Tyr2His (NM_001193304.3); short protein forms Y2H.
Identifiers: ClinVar variation 1059638 (VCV001059638.9), dbSNP rs2104308652, ClinGen allele CA347656368.

ClinVar aggregate classification (germline): Uncertain significance (1 of 4 stars; one submission).

Conditions:
Hereditary pheochromocytoma and paraganglioma. Also called: Hereditary paragangliomas and pheochromocytomas; Hereditary pheochromocytoma-paraganglioma; Hereditary Paraganglioma-Pheochromocytoma Syndromes. Identifiers: Orphanet 29072, MedGen C4274332, MONDO:0017366.

Submission:

Labcorp Genetics (formerly Invitae), Labcorp
Classification: Uncertain significance for Hereditary pheochromocytoma and paraganglioma. Last evaluated: 2022-08-16. Review status: criteria provided, single submitter. Criteria: Invitae Variant Classification Sherloc (09022015). Collection method: clinical testing. Allele origin: germline.
Comment: This sequence change replaces tyrosine, which is neutral and polar, with histidine, which is basic and polar, at codon 2 of the TMEM127 protein (p.Tyr2His). This variant is not present in population databases (gnomAD no frequency). This variant has not been reported in the literature in individuals affected with TMEM127-related conditions. ClinVar contains an entry for this variant (Variation ID: 1059638). Algorithms developed to predict the effect of missense changes on protein structure and function are either unavailable or do not agree on the potential impact of this missense change (SIFT: "Deleterious"; PolyPhen-2: "Not Available"; Align-GVGD: "Class C0"). In summary, the available evidence is currently insufficient to determine the role of this variant in disease. Therefore, it has been classified as a Variant of Uncertain Significance.